The following is an entry in ClinVar:

NM_001031850.4(PSG6):c.1031G>A (p.Arg344His)

Gene: PSG6 (pregnancy specific beta-1-glycoprotein 6; minus strand). Cytogenetic location: 19q13.31.
Variant type: single nucleotide variant.
Coding change: c.1031G>A on transcript NM_001031850.4 (MANE Select); coding-DNA position 1031, G replaced by A.
Protein change: p.Arg344His; replaces arginine 344 with histidine.
Molecular consequence: missense variant.
Genome position (GRCh38, 1-based): chr19:42,907,131, C>T on the plus strand (G>A on the coding strand, the complement: PSG6 is on the minus strand). VCF-style: chr19-42907131-C-T. GRCh37 (hg19) VCF-style: chr19-43411283-C-T.
Other names: c.1031G>A, p.Arg344His (NM_002782.5); short protein forms R344H.
Identifiers: ClinVar variation 2650050 (VCV002650050.24), dbSNP rs143813812, ClinGen allele CA9481032.

ClinVar aggregate classification (germline): Likely benign (1 of 4 stars; one submission).

Allele frequency attached by ClinVar (database versions not stated): 1000 Genomes Project 0.00040; 1000 Genomes Project 30x 0.00047; ExAC 0.00053; gnomAD 0.00060; TOPMed 0.00083; ESP Exome Variant Server 0.00085.
gnomAD v4.1: 1,017 of 1,612,652 alleles (0.063%); highest among the groups gnomAD compares: Non-Finnish European, 0.076%; 13 homozygotes.

Submission:

CeGaT Center for Human Genetics Tuebingen
Classification: Likely benign. Last evaluated: 2023-03-01. Review status: criteria provided, single submitter. Criteria: CeGaT Center For Human Genetics Tuebingen Variant Classification Criteria Version 2. Collection method: clinical testing. Allele origin: germline. Affected: yes. Observed: 1 variant allele.
Comment: PSG6: BP4, BS2